The following is an entry in ClinVar:

ClinVar aggregate classification (germline): Likely benign. Review status: criteria provided, multiple submitters, no conflicts (2 of 4 stars). 8 submissions from 8 submitters: Likely benign (7). 1 of the submissions does not count toward it. Last evaluated 2026-01-20.

Conditions:
HBB-related disorder. Also called: HBB-related condition; HBB-related disorders. Identifiers: MedGen CN239378.
Inborn genetic diseases. Identifiers: MedGen C0950123, MeSH D030342.

Allele frequency attached by ClinVar (database versions not stated): ESP Exome Variant Server 0.00015; gnomAD 0.00016; gnomAD exomes 0.00021 and 0.00042; ExAC 0.00022; TOPMed 0.00022; 1000 Genomes Project 30x 0.00031.
gnomAD v4.1: 639 of 1,614,024 alleles (0.04%); highest among the groups gnomAD compares: Non-Finnish European, 0.053%; no homozygotes.

Submissions (8):

Labcorp Genetics (formerly Invitae), Labcorp
Classification: Likely benign. Last evaluated: 2026-01-20. Review status: criteria provided, single submitter. Criteria: Invitae Variant Classification Sherloc (09022015). Collection method: clinical testing. Allele origin: germline.

Blueprint Genetics
Classification: Likely benign. Last evaluated: 2024-11-14. Review status: criteria provided, single submitter. Criteria: ACMG Guidelines, 2015. Collection method: clinical testing. Allele origin: germline.

CeGaT Center for Human Genetics Tuebingen
Classification: Likely benign. Last evaluated: 2024-11-01. Review status: criteria provided, single submitter. Criteria: CeGaT Center For Human Genetics Tuebingen Variant Classification Criteria Version 2. Collection method: clinical testing. Allele origin: germline. Affected: yes. Observed: 1 variant allele.
Comment: HBB: BP4, BP7

ARUP Laboratories, Molecular Genetics and Genomics, ARUP Laboratories
Classification: Likely benign. Last evaluated: 2024-06-25. Review status: criteria provided, single submitter. Criteria: ARUP Molecular Germline Variant Investigation Process 2024. Collection method: clinical testing. Allele origin: germline.

Ambry Genetics
Classification: Likely benign for Inborn genetic diseases. Last evaluated: 2022-02-17. Review status: criteria provided, single submitter. Criteria: Ambry Variant Classification Scheme 2023. Collection method: clinical testing. Allele origin: germline.

Quest Diagnostics Nichols Institute San Juan Capistrano
Classification: Likely benign. Last evaluated: 2020-02-13. Review status: criteria provided, single submitter. Criteria: Quest Diagnostics criteria. Collection method: clinical testing. Allele origin: unknown.

Women's Health and Genetics/Laboratory Corporation of America, LabCorp
Classification: Likely benign. Last evaluated: 2019-08-28. Review status: criteria provided, single submitter. Criteria: LabCorp Variant Classification Summary - May 2015. Collection method: clinical testing. Allele origin: germline.

PreventionGenetics, part of Exact Sciences
Classification: Likely benign for HBB-related condition. Last evaluated: 2019-07-17. Review status: no assertion criteria provided. Collection method: clinical testing. Allele origin: germline. Not counted in ClinVar's aggregate classification.
Comment: This variant is classified as likely benign based on ACMG/AMP sequence variant interpretation guidelines (Richards et al. 2015 PMID: 25741868, with internal and published modifications).

Literature cited by the submitters: PubMed 23431002 (cited by Quest Diagnostics Nichols Institute San Juan Capistrano).

NM_000518.5(HBB):c.207C>T (p.Leu69=)

Genes: HBB (hemoglobin subunit beta; minus strand), LOC106099062 (HBB recombination region; plus strand), LOC107133510 (origin of replication at HBB; plus strand). Cytogenetic location: 11p15.4.
Variant type: single nucleotide variant.
Coding change: c.207C>T on transcript NM_000518.5 (MANE Select); coding-DNA position 207, C replaced by T.
Protein change: p.Leu69=; no amino-acid change (leucine 69 retained).
Molecular consequence: synonymous variant.
Genome position (GRCh38, 1-based): chr11:5,226,685, G>A on the plus strand (C>T on the coding strand, the complement: HBB is on the minus strand). VCF-style: chr11-5226685-G-A. GRCh37 (hg19) VCF-style: chr11-5247915-G-A.
Identifiers: ClinVar variation 439141 (VCV000439141.34), dbSNP rs112287010, ClinGen allele CA5839749.
Genomic context (GRCh38, chr11:5,226,685, plus strand): 5'-CAGTGTGGCAAAGGTGCCCTTGAGGTTGTCCAGGTGAGCCAGGCCATCACTAAAGGCACC[G>A]AGCACTTTCTTGCCATGAGCCTTCACCTTAGGGTTGCCCATAACAGCATCAGGAGTGGAC-3'
Protein context (NP_000509.1, residues 59-79): PKVKAHGKKV[Leu69=]GAFSDGLAHL